The following is an entry in ClinVar:

NM_003070.5(SMARCA2):c.3555C>T (p.Leu1185=)

Gene: SMARCA2 (SWI/SNF related BAF chromatin remodeling complex subunit ATPase 2; plus strand). Cytogenetic location: 9p24.3.
Variant type: single nucleotide variant.
Coding change: c.3555C>T on transcript NM_003070.5 (MANE Select); coding-DNA position 3555, C replaced by T.
Protein change: p.Leu1185=; no amino-acid change (leucine 1185 retained).
Molecular consequence: synonymous variant.
Genome position (GRCh38, 1-based): chr9:2,115,920, C>T. VCF-style: chr9-2115920-C-T. GRCh37 (hg19) VCF-style: chr9-2115920-C-T.
Other names: c.3555C>T (NM_003070.4); c.3555C>T, p.Leu1185= (NM_001289396.2, NM_139045.4); c.3381C>T, p.Leu1127= (NM_001289397.2).
Identifiers: ClinVar variation 588117 (VCV000588117.47), dbSNP rs78868042, ClinGen allele CA4963793.

ClinVar aggregate classification (germline): Benign/Likely benign. Review status: criteria provided, multiple submitters, no conflicts (2 of 4 stars). 7 submissions from 7 submitters: Benign (2); Likely benign (4). 1 of the submissions does not count toward it. Last evaluated 2026-05-01.

Conditions:
SMARCA2-related disorder. Also called: SMARCA2-related condition.
Inborn genetic diseases. Identifiers: MedGen C0950123, MeSH D030342.

Allele frequency attached by ClinVar (database versions not stated): gnomAD exomes 0.00109; ExAC 0.00142; gnomAD 0.00410 and 0.00444; 1000 Genomes Project 30x 0.00422; 1000 Genomes Project 0.00459; TOPMed 0.00488; ESP Exome Variant Server 0.00546.
gnomAD v4.1: 1,251 of 1,614,046 alleles (0.078%); highest among the groups gnomAD compares: African/African-American, 1.5%; 13 homozygotes.

Submissions (7):

CeGaT Center for Human Genetics Tuebingen
Classification: Benign. Last evaluated: 2026-05-01. Review status: criteria provided, single submitter. Criteria: CeGaT Center For Human Genetics Tuebingen Variant Classification Criteria Version 2. Collection method: clinical testing. Allele origin: germline. Affected: yes. Observed: 5 variant alleles.
Comment: SMARCA2: BP4, BP7, BS1, BS2

Labcorp Genetics (formerly Invitae), Labcorp
Classification: Benign. Last evaluated: 2026-02-03. Review status: criteria provided, single submitter. Criteria: Invitae Variant Classification Sherloc (09022015). Collection method: clinical testing. Allele origin: germline.

Blueprint Genetics
Classification: Likely benign. Last evaluated: 2024-11-26. Review status: criteria provided, single submitter. Criteria: ACMG Guidelines, 2015. Collection method: clinical testing. Allele origin: germline.

GeneDx
Classification: Likely benign. Last evaluated: 2021-02-23. Review status: criteria provided, single submitter. Criteria: GeneDx Variant Classification Process June 2021. Collection method: clinical testing. Allele origin: germline. Affected: yes.

Ambry Genetics
Classification: Likely benign for Inborn genetic diseases. Last evaluated: 2016-05-06. Review status: criteria provided, single submitter. Criteria: Ambry Variant Classification Scheme 2023. Collection method: clinical testing. Allele origin: germline.

Breakthrough Genomics
Classification: Likely benign. Review status: criteria provided, single submitter. Criteria: ACMG Guidelines, 2015. Collection method: not provided. Allele origin: germline. Inheritance: Autosomal dominant inheritance. Affected: yes.

PreventionGenetics, part of Exact Sciences
Classification: Benign for SMARCA2-related condition. Last evaluated: 2024-03-05. Review status: no assertion criteria provided. Collection method: clinical testing. Allele origin: germline. Not counted in ClinVar's aggregate classification.
Comment: This variant is classified as benign based on ACMG/AMP sequence variant interpretation guidelines (Richards et al. 2015 PMID: 25741868, with internal and published modifications).